The following is an entry in ClinVar:

ClinVar aggregate classification (germline): Conflicting classifications of pathogenicity. Review status: criteria provided, conflicting classifications (1 of 4 stars). 15 submissions from 15 submitters: Uncertain significance (8); Benign (3); Likely benign (3). 1 of the submissions does not count toward it. Last evaluated 2026-10-01.

Conditions:
Progressive sclerosing poliodystrophy (MTDPS4A). Also called: NEURONAL DEGENERATION OF CHILDHOOD WITH LIVER DISEASE, PROGRESSIVE; Mitochondrial DNA depletion syndrome 4A (Alpers type); Alpers-Huttenlocher Syndrome (AHS); ALPERS PROGRESSIVE INFANTILE POLIODYSTROPHY; Mitochondrial DNA Depletion Syndrome 4A; Alpers Syndrome. Identifiers: Orphanet 726, MedGen C0205710, MONDO:0008758, OMIM 203700.
Progressive external ophthalmoplegia with mitochondrial DNA deletions, autosomal recessive 1 (PEOB1). Also called: Autosomal Recessive Progressive External Ophthalmoplegia (arPEO); Progressive external ophthalmoplegia, autosomal recessive 1. Identifiers: Orphanet 254886, MedGen C4225153, MONDO:0009783, OMIM 258450.
Progressive external ophthalmoplegia with mitochondrial DNA deletions, autosomal dominant 1 (PEOA1). Also called: PROGRESSIVE EXTERNAL OPHTHALMOPLEGIA, AUTOSOMAL DOMINANT 1; Autosomal Dominant Progressive External Ophthalmoplegia (adPEO). Identifiers: MedGen C1834846, MONDO:0024528, OMIM 157640.
Sensory ataxic neuropathy, dysarthria, and ophthalmoparesis (SANDO). Also called: SENSORY ATAXIC NEUROPATHY WITH MITOCHONDRIAL DNA DELETIONS, AUTOSOMAL RECESSIVE; Ataxia Neuropathy Spectrum (ANS); Epilepsy, progressive myoclonic, type 5; Sensory ataxic neuropathy-dysarthria-ophthalmoparesis syndrome. Identifiers: Orphanet 70595, MedGen C1843851, MONDO:0011835, OMIM 607459.
Mitochondrial DNA depletion syndrome 4b. Also called: Mitochondrial Neurogastrointestinal Encephalopathy Disease, POLG-Related; MNGIE, POLG-RELATED. Identifiers: Orphanet 298, MedGen C3150914, MONDO:0013350, OMIM 613662.
POLG-related disorder. Also called: POLG-related condition; POLG-Related Disorders; POLG-Related Spectrum Disorders. Identifiers: MedGen C4763519.
Inborn genetic diseases. Identifiers: MedGen C0950123, MeSH D030342.

Allele frequency attached by ClinVar (database versions not stated): gnomAD 0.00166 and 0.00155; 1000 Genomes Project 0.00240; 1000 Genomes Project 30x 0.00250; ESP Exome Variant Server 0.00200; gnomAD exomes 0.00015 and 0.00047; ExAC 0.00049; TOPMed 0.00195.
gnomAD v4.1: 475 of 1,613,624 alleles (0.029%); highest among the groups gnomAD compares: African/African-American, 0.46%; 1 homozygote.

Submissions (15):

GeneDx
Classification: Uncertain significance. Last evaluated: 2026-10-01. Review status: criteria provided, single submitter. Criteria: GeneDx Variant Classification Process June 2021. Collection method: clinical testing. Allele origin: germline.
Comment: Reported as heterozygous in unrelated individuals with clinical features suggestive of a mitochondrial disorder who were heterozygous for p.(H613Y) and did not have another identifiable POLG variant (PMID: 21880868, 28130605, 40002397). One individual inherited the p.(H613Y) variant from an apparently unaffected father (PMID: 28130605); In silico analysis supports that this missense variant has a deleterious effect on protein structure/function; This variant is associated with the following publications: (PMID: 32019516, 28130605, 28480171, 26934580, 25356899, 28569743, 30814510, 25032700, 40393443, 37256495, 40002397, 21880868)

Labcorp Genetics (formerly Invitae), Labcorp
Classification: Likely benign for Progressive sclerosing poliodystrophy. Last evaluated: 2026-02-02. Review status: criteria provided, single submitter. Criteria: Invitae Variant Classification Sherloc (09022015). Collection method: clinical testing. Allele origin: germline.

Dasa
Classification: Benign. Last evaluated: 2025-12-19. Review status: criteria provided, single submitter. Criteria: DASA Assertion Criteria. Collection method: clinical testing. Allele origin: germline.
Comment: NM_002693.3(POLG):c.1837C>T (p.His613Tyr) is a missense variant that results in the substitution of histidine with tyrosine. Population frequency is inconsistent with a disease-causing role for this variant. Therefore, based on the currently available evidence, this variant is classified as benign.

Women's Health and Genetics/Laboratory Corporation of America, LabCorp
Classification: Likely benign. Last evaluated: 2025-12-09. Review status: criteria provided, single submitter. Criteria: LabCorp Variant Classification Summary - May 2015. Collection method: clinical testing. Allele origin: germline.
Comment: Variant summary: POLG c.1837C>T (p.His613Tyr) results in a conservative amino acid change in the encoded protein sequence. Algorithms developed to predict the effect of missense changes on protein structure and function are either unavailable or do not agree on the potential impact of this missense change. The variant allele was found at a frequency of 0.00047 in 250954 control chromosomes, predominantly at a frequency of 0.0055 within the African or African-American subpopulation in the gnomAD database. The observed variant frequency within African or African-American control individuals in the gnomAD database exceeds the estimated maximal expected allele frequency for disease-causing variants in POLG. c.1837C>T has been reported in the literature in an individual with features POLG-Related Spectrum Disorders (Pozzo_2017). These report(s) do not provide unequivocal conclusions about association of the variant with POLG-Related Spectrum Disorders. To our knowledge, no experimental evidence demonstrating an impact on protein function has been reported. The following publication have been ascertained in the context of this evaluation (PMID: 28130605). ClinVar contains an entry for this variant (Variation ID: 193643). Based on the evidence outlined above, the variant was classified as likely benign.

Mayo Clinic Laboratories, Mayo Clinic
Classification: Uncertain significance. Last evaluated: 2025-07-29. Review status: criteria provided, single submitter. Criteria: ACMG Guidelines, 2015. Collection method: clinical testing. Allele origin: germline. Observed: 8 variant alleles.
Comment: BS1, PP3_moderate

Athena Diagnostics
Classification: Likely benign. Last evaluated: 2025-02-04. Review status: criteria provided, single submitter. Criteria: Athena Diagnostics Criteria. Collection method: clinical testing. Allele origin: unknown.
Comment: The frequency of this variant in the general population is higher than would generally be expected for pathogenic variants in this gene. This variant has been seen where an alternate explanation for disease was also identified.

Revvity Omics, Revvity
Classification: Uncertain significance. Last evaluated: 2022-12-13. Review status: criteria provided, single submitter. Criteria: ACMG Guidelines, 2015. Collection method: clinical testing. Allele origin: germline.

New York Genome Center
Classification: Uncertain significance for Progressive sclerosing poliodystrophy; Mitochondrial DNA depletion syndrome 4b; Sensory ataxic neuropathy, dysarthria, and ophthalmoparesis. Last evaluated: 2020-02-06. Review status: criteria provided, single submitter. Criteria: NYGC Assertion Criteria 2020. Collection method: clinical testing. Allele origin: germline. Observed: 1 heterozygote. Study: CSER-NYCKidSeq.

Wong Mito Lab, Molecular and Human Genetics, Baylor College of Medicine
Classification: Benign for Progressive sclerosing poliodystrophy. Last evaluated: 2018-10-01. Review status: criteria provided, single submitter. Criteria: ACMG Guidelines, 2015. Collection method: clinical testing. Allele origin: germline.
Comment: The NM_002693.2:c.1837C>T (NP_002684.1:p.His613Tyr) [GRCH38: NC_000015.10:g.89325562G>A] variant in POLG gene is interpretated to be a Benign based on ACMG guidelines (PMID: 25741868). This variant meets the following evidence codes reported in the ACMG-guideline. BS1:The minor allele frequency of this allele is high for Mitochondrial DNA depletion syndrome 4A (Alpers type). BS2:Observation of the variant in controls is inconsistent with penetrance of Mitochondrial DNA depletion syndrome 4A (Alpers type). Based on the evidence criteria codes applied, the variant is suggested to be Benign.

Ambry Genetics
Classification: Uncertain significance for Inborn genetic diseases. Last evaluated: 2018-04-26. Review status: criteria provided, single submitter. Criteria: Ambry Variant Classification Scheme 2023. Collection method: clinical testing. Allele origin: germline.
Comment: The p.H613Y variant (also known as c.1837C>T), located in coding exon 9 of the POLG gene, results from a C to T substitution at nucleotide position 1837. The histidine at codon 613 is replaced by tyrosine, an amino acid with similar properties. This amino acid position is highly conserved in available vertebrate species. In addition, this alteration is predicted to be deleterious by in silico analysis. Since supporting evidence is limited at this time, the clinical significance of this alteration remains unclear.

ARUP Laboratories, Molecular Genetics and Genomics, ARUP Laboratories
Classification: Uncertain significance. Last evaluated: 2017-01-17. Review status: criteria provided, single submitter. Criteria: ARUP Molecular Germline Variant Investigation Process. Collection method: clinical testing. Allele origin: germline.

Genetic Services Laboratory, University of Chicago
Classification: Uncertain significance. Last evaluated: 2015-12-14. Review status: criteria provided, single submitter. Criteria: ACMG Guidelines, 2015. Collection method: clinical testing. Allele origin: germline. Affected: no.

Eurofins Ntd Llc (ga)
Classification: Benign. Last evaluated: 2015-04-02. Review status: criteria provided, single submitter. Criteria: EGL Classification Definitions 2015. Collection method: clinical testing. Allele origin: germline. Observed: 2 variant alleles, 2 heterozygotes.

Center for Genomics, Ann and Robert H. Lurie Children's Hospital of Chicago
Classification: Uncertain significance for Sensory ataxic neuropathy, dysarthria, and ophthalmoparesis; Mitochondrial DNA depletion syndrome 4b; Progressive sclerosing poliodystrophy; Progressive external ophthalmoplegia with mitochondrial DNA deletions, autosomal dominant 1; Progressive external ophthalmoplegia with mitochondrial DNA deletions, autosomal recessive 1. Review status: criteria provided, single submitter. Criteria: ACMG Guidelines, 2015. Collection method: clinical testing. Allele origin: germline.
Comment: POLG NM_002693.2 exon 10 p.His613Tyr (c.1837C>T): This variant has been reported in the literature in at least two individuals with clinical features of POLG related disease (Tang 2011 PMID:21880868, Da Pozzo 2017 PMID:28130605) and has been identified by our laboratory in at least two individuals with epilepsy. This variant is present in 0.5% (134/24022) of African alleles in the Genome Aggregation Database, and it is present in ClinVar (Variation ID:193643). Evolutionary conservation and computational predictive tools suggest that this variant may impact the protein. However, the variant Tyrosine (Tyr) amino acid is present in 2 other species (Chinese Softshell Turtle, Spiny Softshell Turtle), suggesting that this variant may not impact the protein. In summary, data on this variant is insufficient for disease classification. Therefore, the clinical significance of this variant is uncertain.

PreventionGenetics, part of Exact Sciences
Classification: Likely benign for POLG-related condition. Last evaluated: 2019-06-23. Review status: no assertion criteria provided. Collection method: clinical testing. Allele origin: germline. Not counted in ClinVar's aggregate classification.
Comment: This variant is classified as likely benign based on ACMG/AMP sequence variant interpretation guidelines (Richards et al. 2015 PMID: 25741868, with internal and published modifications).

Literature cited by the submitters: PubMed 28130605 (cited by 4 submitters); PubMed 21880868 (cited by Mayo Clinic Laboratories, Mayo Clinic and Athena Diagnostics); PubMed 32019516 (cited by Mayo Clinic Laboratories, Mayo Clinic and Athena Diagnostics); PubMed 40002397 (cited by Mayo Clinic Laboratories, Mayo Clinic); PubMed 40393443 (cited by Mayo Clinic Laboratories, Mayo Clinic).

NM_002693.3(POLG):c.1837C>T (p.His613Tyr)

Gene: POLG (DNA polymerase gamma, catalytic subunit; minus strand). Cytogenetic location: 15q26.1.
Variant type: single nucleotide variant.
Coding change: c.1837C>T on transcript NM_002693.3 (MANE Select); coding-DNA position 1837, C replaced by T.
Protein change: p.His613Tyr; replaces histidine 613 with tyrosine.
Molecular consequence: missense variant.
Genome position (GRCh38, 1-based): chr15:89,325,562, G>A on the plus strand (C>T on the coding strand, the complement: POLG is on the minus strand). VCF-style: chr15-89325562-G-A. GRCh37 (hg19) VCF-style: chr15-89868793-G-A.
Other names: p.H613Y:CAC>TAC; c.1837C>T, p.His613Tyr (NM_001126131.2); short protein forms H613Y.
Identifiers: ClinVar variation 193643 (VCV000193643.59), dbSNP rs147407423, ClinGen allele CA302712.
Genomic context (GRCh38, chr15:89,325,562, plus strand): 5'-TGGCCAGGTTGTCCCGCCGCCCAGGCACCAAGTAGCCCCAGCCATGACGCTCTGAGTAGT[G>A]CAGAGGGAAGCCATCCCAGGTAAGTGCCATGAGTTTAGGTGTGACCCGCATCTGCAGGCT-3'
Protein context (NP_002684.1, residues 603-623): MALTWDGFPL[His613Tyr]YSERHGWGYL